The following is an entry in ClinVar:

NM_017947.4(MOCOS):c.605C>G (p.Ala202Gly)

Gene: MOCOS (molybdenum cofactor sulfurase; plus strand). Cytogenetic location: 18q12.2.
Variant type: single nucleotide variant.
Coding change: c.605C>G on transcript NM_017947.4 (MANE Select); coding-DNA position 605, C replaced by G.
Protein change: p.Ala202Gly; replaces alanine 202 with glycine.
Molecular consequence: missense variant.
Genome position (GRCh38, 1-based): chr18:36,199,988, C>G. VCF-style: chr18-36199988-C-G. GRCh37 (hg19) VCF-style: chr18-33779951-C-G.
Other names: short protein forms A202G.
Identifiers: ClinVar variation 1979208 (VCV001979208.4), dbSNP rs2511390322, ClinGen allele CA402214204.

ClinVar aggregate classification (germline): Uncertain significance (1 of 4 stars; one submission).

Conditions:
Xanthinuria type II. Also called: Xanthine dehydrogenase and aldehyde oxidase combined deficiency of; XDH and AOX dual deficiency. Identifiers: Orphanet 3467, Orphanet 93602, MedGen C1863688, MONDO:0011346, OMIM 603592.

Submission:

Labcorp Genetics (formerly Invitae), Labcorp
Classification: Uncertain significance for Xanthinuria type II. Last evaluated: 2022-04-03. Review status: criteria provided, single submitter. Criteria: Invitae Variant Classification Sherloc (09022015). Collection method: clinical testing. Allele origin: germline.
Comment: In summary, the available evidence is currently insufficient to determine the role of this variant in disease. Therefore, it has been classified as a Variant of Uncertain Significance. Algorithms developed to predict the effect of missense changes on protein structure and function (SIFT, PolyPhen-2, Align-GVGD) all suggest that this variant is likely to be disruptive. This variant has not been reported in the literature in individuals affected with MOCOS-related conditions. This variant is not present in population databases (gnomAD no frequency). This sequence change replaces alanine, which is neutral and non-polar, with glycine, which is neutral and non-polar, at codon 202 of the MOCOS protein (p.Ala202Gly).